The following is an entry in ClinVar:

ClinVar aggregate classification (germline): Uncertain significance (1 of 4 stars; one submission).

Allele frequency attached by ClinVar (database versions not stated): gnomAD exomes below 0.00001; ExAC 0.00001; gnomAD 0.00001; 1000 Genomes Project 30x 0.00016; 1000 Genomes Project 0.00020.
gnomAD v4.1: 2 of 1,451,550 alleles (0.00014%); highest among the groups gnomAD compares: African/African-American, 0.0014%; no homozygotes.

Submission:

Labcorp Genetics (formerly Invitae), Labcorp
Classification: Uncertain significance. Last evaluated: 2022-07-19. Review status: criteria provided, single submitter. Criteria: Invitae Variant Classification Sherloc (09022015). Collection method: clinical testing. Allele origin: germline.
Comment: In summary, the available evidence is currently insufficient to determine the role of this variant in disease. Therefore, it has been classified as a Variant of Uncertain Significance. Algorithms developed to predict the effect of missense changes on protein structure and function are either unavailable or do not agree on the potential impact of this missense change (SIFT: "Tolerated"; PolyPhen-2: "Probably Damaging"; Align-GVGD: "Class C0"). ClinVar contains an entry for this variant (Variation ID: 1507558). This variant has not been reported in the literature in individuals affected with PDE6C-related conditions. This variant is present in population databases (rs201509952, gnomAD 0.007%). This sequence change replaces methionine, which is neutral and non-polar, with isoleucine, which is neutral and non-polar, at codon 763 of the PDE6C protein (p.Met763Ile).

NM_006204.4(PDE6C):c.2289G>A (p.Met763Ile)

Gene: PDE6C (phosphodiesterase 6C; plus strand). Cytogenetic location: 10q23.33.
Variant type: single nucleotide variant.
Coding change: c.2289G>A on transcript NM_006204.4 (MANE Select); coding-DNA position 2289, G replaced by A.
Protein change: p.Met763Ile; replaces methionine 763 with isoleucine.
Molecular consequence: missense variant.
Genome position (GRCh38, 1-based): chr10:93,662,565, G>A. VCF-style: chr10-93662565-G-A. GRCh37 (hg19) VCF-style: chr10-95422322-G-A.
Other names: short protein forms M763I.
Identifiers: ClinVar variation 1507558 (VCV001507558.8), dbSNP rs201509952, ClinGen allele CA5610471.